The following is an entry in ClinVar:

NM_001048174.2(MUTYH):c.457T>A (p.Ser153Thr)

Gene: MUTYH (mutY DNA glycosylase; minus strand). Cytogenetic location: 1p34.1.
Variant type: single nucleotide variant.
Coding change: c.457T>A on transcript NM_001048174.2 (MANE Select); coding-DNA position 457, T replaced by A.
Protein change: p.Ser153Thr; replaces serine 153 with threonine.
Molecular consequence: missense variant. On other transcripts: non-coding transcript variant (2).
Genome position (GRCh38, 1-based): chr1:45,332,798, A>T on the plus strand (T>A on the coding strand, the complement: MUTYH is on the minus strand). VCF-style: chr1-45332798-A-T. GRCh37 (hg19) VCF-style: chr1-45798470-A-T.
Other names: c.457T>A, p.Ser153Thr (NM_001048171.2, NM_001048173.2, NM_001293195.2); c.460T>A, p.Ser154Thr (NM_001048172.2); c.541T>A, p.Ser181Thr (NM_001128425.2); c.502T>A, p.Ser168Thr (NM_001293190.2); c.490T>A, p.Ser164Thr (NM_001293191.2); c.181T>A, p.Ser61Thr (NM_001293192.2, NM_001293196.2); c.112T>A, p.Ser38Thr (NM_001350650.2, NM_001350651.2); c.532T>A, p.Ser178Thr (NM_012222.3); short protein forms S181T, S164T, S168T, S38T, S154T, S61T, S153T, S178T.
Identifiers: ClinVar variation 479990 (VCV000479990.20), dbSNP rs769684812, ClinGen allele CA340135690.
Genomic context (GRCh38, chr1:45,332,798, plus strand): 5'-TCCTACCCTCCTGCCATCCCCTTACCTTCCGAGCTCCCTCCTGCAGCCGCCGGCCACGAG[A>T]ATAGTAGCCCAGGCCAGCCCAGAGTTGATTCACCTCCTGTGGGTAGGATCAGAGGTCAAA-3'
Protein context (NP_001041639.1, residues 143-163): NQLWAGLGYY[Ser153Thr]RGRRLQEGAR

ClinVar aggregate classification (germline): Conflicting classifications of pathogenicity. Review status: criteria provided, conflicting classifications (1 of 4 stars). 4 submissions from 4 submitters: Uncertain significance (3); Benign (1). Last evaluated 2025-09-17.

Conditions:
Hereditary cancer-predisposing syndrome. Also called: Hereditary neoplastic syndrome; Hereditary Cancer Syndrome; Neoplastic Syndromes, Hereditary; Tumor predisposition. Identifiers: Orphanet 140162, MedGen C0027672, MeSH D009386, MONDO:0015356.
Familial adenomatous polyposis 2. Also called: MYH-associated polyposis; COLORECTAL ADENOMATOUS POLYPOSIS, AUTOSOMAL RECESSIVE; ADENOMAS, MULTIPLE COLORECTAL, AUTOSOMAL RECESSIVE; MUTYH-related attenuated familial adenomatous polyposis; Adenomas, multiple colorectal; FAP type 2. Identifiers: Orphanet 220460, Orphanet 247798, MedGen C3272841, MONDO:0012041, OMIM 608456.

gnomAD v4.1: 3 of 1,614,082 alleles (0.00019%); highest among the groups gnomAD compares: Non-Finnish European, 0.00025%; no homozygotes.

Submissions (4):

Ambry Genetics
Classification: Benign for Hereditary cancer-predisposing syndrome. Last evaluated: 2025-09-17. Review status: criteria provided, single submitter. Criteria: Ambry Variant Classification Scheme 2023. Collection method: clinical testing. Allele origin: germline.

Labcorp Genetics (formerly Invitae), Labcorp
Classification: Uncertain significance for Familial adenomatous polyposis 2. Last evaluated: 2024-05-21. Review status: criteria provided, single submitter. Criteria: Invitae Variant Classification Sherloc (09022015). Collection method: clinical testing. Allele origin: germline.
Comment: This sequence change replaces serine, which is neutral and polar, with threonine, which is neutral and polar, at codon 181 of the MUTYH protein (p.Ser181Thr). This variant is not present in population databases (gnomAD no frequency). This variant has not been reported in the literature in individuals affected with MUTYH-related conditions. ClinVar contains an entry for this variant (Variation ID: 479990). An algorithm developed to predict the effect of missense changes on protein structure and function (PolyPhen-2) suggests that this variant is likely to be disruptive. In summary, the available evidence is currently insufficient to determine the role of this variant in disease. Therefore, it has been classified as a Variant of Uncertain Significance.

All of Us Research Program, National Institutes of Health
Classification: Uncertain significance for Familial adenomatous polyposis 2. Last evaluated: 2023-12-13. Review status: criteria provided, single submitter. Criteria: ACMG Guidelines, 2015. Collection method: clinical testing. Allele origin: germline. Inheritance: Autosomal recessive inheritance. Observed: 1 variant allele, 1 heterozygote.
Comment: This missense variant replaces serine with threonine at codon 181 of the MUTYH protein. Computational prediction is inconclusive regarding the impact of this variant on protein structure and function (internally defined REVEL score threshold 0.5 < inconclusive < 0.7, PMID: 27666373). Splice site prediction tools suggest that this variant may not impact RNA splicing. To our knowledge, functional studies have not been performed for this variant. This variant has not been reported in individuals affected with hereditary cancer in the literature. This variant has not been identified in the general population by the Genome Aggregation Database (gnomAD). The available evidence is insufficient to determine the role of this variant in disease conclusively. Therefore, this variant is classified as a Variant of Uncertain Significance.

This study involves interpretation of variants in research participants for the purpose of population health screening. Participant phenotype was not available at the time of variant classification. Additional details can be found in publication PMID: 35346344, PMCID: PMC8962531

Color Diagnostics, LLC DBA Color Health
Classification: Uncertain significance for Hereditary cancer-predisposing syndrome. Last evaluated: 2020-02-19. Review status: criteria provided, single submitter. Criteria: ACMG Guidelines, 2015. Collection method: clinical testing. Allele origin: germline.
Comment: This missense variant replaces serine with threonine at codon 181 of the MUTYH protein. Computational prediction is inconclusive regarding the impact of this variant on protein structure and function (internally defined REVEL score threshold 0.5 < inconclusive < 0.7, PMID: 27666373). Splice site prediction tools suggest that this variant may not impact RNA splicing. To our knowledge, functional studies have not been performed for this variant. This variant has not been reported in individuals affected with hereditary cancer in the literature. This variant has not been identified in the general population by the Genome Aggregation Database (gnomAD). The available evidence is insufficient to determine the role of this variant in disease conclusively. Therefore, this variant is classified as a Variant of Uncertain Significance.

Literature cited by the submitters: PubMed 40738107 (cited by Ambry Genetics).